The following is an entry in ClinVar:

ClinVar aggregate classification (germline): Conflicting classifications of pathogenicity. Review status: criteria provided, conflicting classifications (1 of 4 stars). 2 submissions from 2 submitters: Uncertain significance (1); Likely benign (1). Last evaluated 2025-08-21.

Conditions:
Tuberous sclerosis 2 (TSC2). Identifiers: Orphanet 805, MedGen C1860707, MONDO:0013199, OMIM 613254.
Tuberous sclerosis syndrome (TSC). Also called: Tuberous sclerosis; Tuberous Sclerosis Complex. Identifiers: Orphanet 805, MedGen C0041341, MONDO:0001734.

Submissions (2):

Labcorp Genetics (formerly Invitae), Labcorp
Classification: Likely benign for Tuberous sclerosis 2. Last evaluated: 2025-08-21. Review status: criteria provided, single submitter. Criteria: Invitae Variant Classification Sherloc (09022015). Collection method: clinical testing. Allele origin: germline.

All of Us Research Program, National Institutes of Health
Classification: Uncertain significance for Tuberous sclerosis syndrome. Last evaluated: 2023-04-03. Review status: criteria provided, single submitter. Criteria: ACMG Guidelines, 2015. Collection method: clinical testing. Allele origin: germline. Inheritance: Autosomal dominant inheritance. Observed: 1 variant allele, 1 heterozygote.
Comment: This variant causes a C to A nucleotide substitution at the -13 position of intron 23 of the TSC2 gene. Splice site prediction tools suggest that this variant may not impact RNA splicing. To our knowledge, functional studies have not been reported for this variant. This variant has not been reported in individuals affected with TSC2-related disorders in the literature. This variant has not been identified in the general population by the Genome Aggregation Database (gnomAD). The available evidence is insufficient to determine the role of this variant in disease conclusively. Therefore, this variant is classified as a Variant of Uncertain Significance.

This study involves interpretation of variants in research participants for the purpose of population health screening. Participant phenotype was not available at the time of variant classification. Additional details can be found in publication PMID: 35346344, PMCID: PMC8962531

NM_000548.5(TSC2):c.2640-13C>A

Gene: TSC2 (TSC complex subunit 2; plus strand). Cytogenetic location: 16p13.3.
Variant type: single nucleotide variant.
Coding change: c.2640-13C>A on transcript NM_000548.5 (MANE Select); 13 bases into the intron before coding-DNA position 2640, C replaced by A.
Molecular consequence: intron variant.
Genome position (GRCh38, 1-based): chr16:2,076,055, C>A. VCF-style: chr16-2076055-C-A. GRCh37 (hg19) VCF-style: chr16-2126056-C-A.
Other names: c.1296-13C>A (NM_001406693.1, NM_001406689.1, NM_001406690.1 and 6 more transcripts); c.2730-13C>A (NM_001406667.1, NM_001406668.1); c.2040-13C>A (NM_001406680.1, NM_001406683.1, NM_001406687.1 and 6 more transcripts); c.1038-13C>A (NM_001406698.1); c.2640-13C>A (NM_001114382.3, NM_001406663.1, NM_001406664.1 and 6 more transcripts); c.2628-13C>A (NM_001406671.1, NM_001406673.1); c.2178-13C>A (NM_001406681.1); c.2529-13C>A (NM_001406670.1, NM_001318827.2, NM_001406678.1); and 3 more.
Identifiers: ClinVar variation 3070137 (VCV003070137.3), dbSNP rs201184637, ClinGen allele CA2731570782.
Genomic context (GRCh38, chr16:2,076,055, plus strand): 5'-GTTTTTTGCACTTCATGCCCTGGGGATGTTTCCCTGCTGCCAGGATGGAGTGCCAGCCCC[C>A]TTCTCATCTCAGGTTTAATCAGTACATCGTGTGTCTGGCCCATCACGTCATAGCCATGTG-3'